The following is an entry in ClinVar:

ClinVar aggregate classification (germline): Uncertain significance (1 of 4 stars; one submission).

Conditions:
Hereditary cancer-predisposing syndrome. Also called: Tumor predisposition; Hereditary neoplastic syndrome; Neoplastic Syndromes, Hereditary; Hereditary Cancer Syndrome. Identifiers: Orphanet 140162, MedGen C0027672, MeSH D009386, MONDO:0015356.

gnomAD v4.1: 1 of 1,614,092 alleles (0.000062%); highest among the groups gnomAD compares: East Asian, 0.0022%; no homozygotes.

Submission:

Ambry Genetics
Classification: Uncertain significance for Hereditary cancer-predisposing syndrome. Last evaluated: 2025-04-28. Review status: criteria provided, single submitter. Criteria: Ambry Variant Classification Scheme 2023. Collection method: clinical testing. Allele origin: germline.
Comment: The p.E134Q variant (also known as c.400G>C), located in coding exon 3 of the XRCC2 gene, results from a G to C substitution at nucleotide position 400. The glutamic acid at codon 134 is replaced by glutamine, an amino acid with highly similar properties. This amino acid position is conserved. In addition, this alteration is predicted to be tolerated by in silico analysis. Based on the available evidence, the clinical significance of this variant remains unclear.

NM_005431.2(XRCC2):c.400G>C (p.Glu134Gln)

Gene: XRCC2 (X-ray repair cross complementing 2; minus strand). Cytogenetic location: 7q36.1.
Variant type: single nucleotide variant.
Coding change: c.400G>C on transcript NM_005431.2 (MANE Select); coding-DNA position 400, G replaced by C.
Protein change: p.Glu134Gln; replaces glutamic acid 134 with glutamine.
Molecular consequence: missense variant.
Genome position (GRCh38, 1-based): chr7:152,649,085, C>G on the plus strand (G>C on the coding strand, the complement: XRCC2 is on the minus strand). VCF-style: chr7-152649085-C-G. GRCh37 (hg19) VCF-style: chr7-152346170-C-G.
Other names: short protein forms E134Q.
Identifiers: ClinVar variation 3982921 (VCV003982921.1).